The following is an entry in ClinVar:

NM_000032.5(ALAS2):c.611G>A (p.Arg204Gln)

Gene: ALAS2 (5'-aminolevulinate synthase 2; minus strand). Cytogenetic location: Xp11.21.
Variant type: single nucleotide variant.
Coding change: c.611G>A on transcript NM_000032.5 (MANE Select); coding-DNA position 611, G replaced by A.
Protein change: p.Arg204Gln; replaces arginine 204 with glutamine.
Molecular consequence: missense variant.
Genome position (GRCh38, 1-based): chrX:55,021,079, C>T on the plus strand (G>A on the coding strand, the complement: ALAS2 is on the minus strand). VCF-style: chrX-55021079-C-T. GRCh37 (hg19) VCF-style: chrX-55047512-C-T.
Other names: c.500G>A, p.Arg167Gln (NM_001037967.4); c.572G>A, p.Arg191Gln (NM_001037968.4); short protein forms R191Q, R204Q, R167Q.
Identifiers: ClinVar variation 4710775 (VCV004710775.1).
Genomic context (GRCh38, chrX:55,021,079, plus strand): 5'-GCCACTGCTGATGGCTGAAAGCCTACTACTCACTGTGTGGCTTGCAAGACCTGAGGGTGT[C>T]GGCTCATGCCCAGGTAATCATTACTACACCAGACGGACACATCCTTTGAGGCCACAGATG-3'
Protein context (NP_000023.2, residues 194-214): WCSNDYLGMS[Arg204Gln]HPQVLQATQE

ClinVar aggregate classification (germline): Pathogenic (1 of 4 stars; one submission).

Submission:

Labcorp Genetics (formerly Invitae), Labcorp
Classification: Pathogenic. Last evaluated: 2025-09-22. Review status: criteria provided, single submitter. Criteria: Invitae Variant Classification Sherloc (09022015). Collection method: clinical testing. Allele origin: germline.
Comment: This sequence change replaces arginine, which is basic and polar, with glutamine, which is neutral and polar, at codon 204 of the ALAS2 protein (p.Arg204Gln). The frequency data for this variant in the population databases is considered unreliable, as metrics indicate poor data quality at this position in the gnomAD database. This missense change has been observed in individual(s) with sideroblastic anemia (PMID: 10577279, 27247955, 33858445). In at least one individual the variant was observed to be de novo. Invitae Evidence Modeling of protein sequence and biophysical properties (such as structural, functional, and spatial information, amino acid conservation, physicochemical variation, residue mobility, and thermodynamic stability) indicates that this missense variant is not expected to disrupt ALAS2 protein function with a negative predictive value of 95%. Experimental studies have shown that this missense change affects ALAS2 function (PMID: 10577279). For these reasons, this variant has been classified as Pathogenic.

Literature cited by the submitters: PubMed 10577279; PubMed 27247955; PubMed 33858445.